The following is an entry in ClinVar:

NM_005084.4(PLA2G7):c.402G>A (p.Trp134Ter)

Gene: PLA2G7 (phospholipase A2 group VII; minus strand). Cytogenetic location: 6p12.3.
Variant type: single nucleotide variant.
Coding change: c.402G>A on transcript NM_005084.4 (MANE Select); coding-DNA position 402, G replaced by A.
Protein change: p.Trp134Ter; replaces tryptophan 134 with a stop codon.
Molecular consequence: nonsense.
Genome position (GRCh38, 1-based): chr6:46,714,528, C>T on the plus strand (G>A on the coding strand, the complement: PLA2G7 is on the minus strand). VCF-style: chr6-46714528-C-T. GRCh37 (hg19) VCF-style: chr6-46682265-C-T.
Other names: c.402G>A, p.Trp134Ter (NM_001168357.2); short protein forms W134*.
Identifiers: ClinVar variation 488845 (VCV000488845.2), dbSNP rs200454121, ClinGen allele CA137855167.

ClinVar aggregate classification (germline): Uncertain significance (1 of 4 stars; one submission).

Allele frequency attached by ClinVar (database versions not stated): TOPMed 0.00001 and 0.00002; gnomAD exomes below 0.00001; gnomAD 0.00001.
gnomAD v4.1: 5 of 1,610,928 alleles (0.00031%); highest among the groups gnomAD compares: Non-Finnish European, 0.00042%; no homozygotes.

Submission:

GeneDx
Classification: Uncertain significance. Last evaluated: 2017-10-30. Review status: criteria provided, single submitter. Criteria: GeneDx Variant Classification (06012015). Collection method: clinical testing. Allele origin: germline. Affected: yes.
Comment: The W134X variant in the PLA2G7 gene has been reported previously as heterozygous in association with PLA2G7-related disorder in a population based study (Song et al., 2012). This variant is predicted to cause loss of normal protein function either through protein truncation or nonsense-mediated mRNA decay. The W134X variant is observed in 2/126598 (0.002%) alleles from individuals of European (non-Finnish) background, in large population cohorts (Lek et al., 2016). We interpret W134X as a variant of uncertain significance